The following is an entry in ClinVar:

NM_178452.6(DNAAF1):c.1016A>G (p.Glu339Gly)

Gene: DNAAF1 (dynein axonemal assembly factor 1; plus strand). Cytogenetic location: 16q24.1.
Variant type: single nucleotide variant.
Coding change: c.1016A>G on transcript NM_178452.6 (MANE Select); coding-DNA position 1016, A replaced by G.
Protein change: p.Glu339Gly; replaces glutamic acid 339 with glycine.
Molecular consequence: missense variant.
Genome position (GRCh38, 1-based): chr16:84,165,935, A>G. VCF-style: chr16-84165935-A-G. GRCh37 (hg19) VCF-style: chr16-84199541-A-G.
Other names: c.260A>G, p.Glu87Gly (NM_001318756.1); short protein forms E339G, E87G.
Identifiers: ClinVar variation 1493375 (VCV001493375.7), dbSNP rs779981792, ClinGen allele CA8202689.

ClinVar aggregate classification (germline): Uncertain significance. Review status: criteria provided, multiple submitters, no conflicts (2 of 4 stars). 2 submissions from 2 submitters: Uncertain significance (2). Last evaluated 2022-07-17.

Conditions:
Primary ciliary dyskinesia. Also called: Ciliary dyskinesia. Identifiers: Orphanet 244, MedGen C0008780, MONDO:0016575, HP:0012265.

Allele frequency attached by ClinVar (database versions not stated): gnomAD 0.00001; ExAC 0.00002; gnomAD exomes 0.00002 and 0.00004; TOPMed 0.00002.
gnomAD v4.1: 61 of 1,612,730 alleles (0.0038%); highest among the groups gnomAD compares: Middle Eastern, 0.034%; no homozygotes.

Submissions (2):

Labcorp Genetics (formerly Invitae), Labcorp
Classification: Uncertain significance for Primary ciliary dyskinesia. Last evaluated: 2022-07-17. Review status: criteria provided, single submitter. Criteria: Invitae Variant Classification Sherloc (09022015). Collection method: clinical testing. Allele origin: germline.
Comment: This sequence change replaces glutamic acid, which is acidic and polar, with glycine, which is neutral and non-polar, at codon 339 of the DNAAF1 protein (p.Glu339Gly). This variant is present in population databases (rs779981792, gnomAD 0.004%). This variant has not been reported in the literature in individuals affected with DNAAF1-related conditions. ClinVar contains an entry for this variant (Variation ID: 1493375). Algorithms developed to predict the effect of missense changes on protein structure and function output the following: SIFT: "Tolerated"; PolyPhen-2: "Benign"; Align-GVGD: "Class C0". The glycine amino acid residue is found in multiple mammalian species, which suggests that this missense change does not adversely affect protein function. In summary, the available evidence is currently insufficient to determine the role of this variant in disease. Therefore, it has been classified as a Variant of Uncertain Significance.

Ambry Genetics
Classification: Uncertain significance for Primary ciliary dyskinesia. Last evaluated: 2022-04-04. Review status: criteria provided, single submitter. Criteria: Ambry Variant Classification Scheme 2023. Collection method: clinical testing. Allele origin: germline.
Comment: The p.E339G variant (also known as c.1016A>G), located in coding exon 7 of the DNAAF1 gene, results from an A to G substitution at nucleotide position 1016. The glutamic acid at codon 339 is replaced by glycine, an amino acid with similar properties. This amino acid position is conserved. In addition, this alteration is predicted to be tolerated by in silico analysis. Since supporting evidence is limited at this time, the clinical significance of this alteration remains unclear.